The following is an entry in ClinVar:

ClinVar aggregate classification (germline): Uncertain significance (1 of 4 stars; one submission).

Conditions:
PCNT-related disorder. Also called: PCNT-related condition.

Submission:

PreventionGenetics, part of Exact Sciences
Classification: Uncertain significance for PCNT-related condition. Last evaluated: 2025-12-29. Review status: criteria provided, single submitter. Criteria: ACMG Guidelines, 2015. Collection method: clinical testing. Allele origin: germline.
Comment: The PCNT c.1066T>G variant is predicted to result in the amino acid substitution p.Leu356Val. To our knowledge, this variant has not been reported in the literature or in a large population database (gnomAD), indicating this variant is rare. At this time, the clinical significance of this variant is uncertain due to the absence of conclusive functional and genetic evidence.

NM_006031.6(PCNT):c.1066T>G (p.Leu356Val)

Gene: PCNT (pericentrin; plus strand). Cytogenetic location: 21q22.3.
Variant type: single nucleotide variant.
Coding change: c.1066T>G on transcript NM_006031.6 (MANE Select); coding-DNA position 1066, T replaced by G.
Protein change: p.Leu356Val; replaces leucine 356 with valine.
Molecular consequence: missense variant.
Genome position (GRCh38, 1-based): chr21:46,349,045, T>G. VCF-style: chr21-46349045-T-G. GRCh37 (hg19) VCF-style: chr21-47768959-T-G.
Other names: c.712T>G, p.Leu238Val (NM_001315529.2); short protein forms L238V, L356V.
Identifiers: ClinVar variation 4991544 (VCV004991544.1).